The following is an entry in ClinVar:

ClinVar aggregate classification (germline): Likely benign. Review status: criteria provided, multiple submitters, no conflicts (2 of 4 stars). 2 submissions from 2 submitters: Likely benign (2). Last evaluated 2023-09-06.

Allele frequency attached by ClinVar (database versions not stated): TOPMed 0.00008; gnomAD 0.00015; ExAC 0.00031; gnomAD exomes 0.00031; 1000 Genomes Project 30x 0.00078; 1000 Genomes Project 0.00100.
gnomAD v4.1: 453 of 1,613,974 alleles (0.028%); highest among the groups gnomAD compares: East Asian, 1%; 3 homozygotes.

Submissions (2):

Blueprint Genetics
Classification: Likely benign. Last evaluated: 2023-09-06. Review status: criteria provided, single submitter. Criteria: ACMG Guidelines, 2015. Collection method: clinical testing. Allele origin: germline.

CeGaT Center for Human Genetics Tuebingen
Classification: Likely benign. Last evaluated: 2023-01-01. Review status: criteria provided, single submitter. Criteria: CeGaT Center For Human Genetics Tuebingen Variant Classification Criteria Version 2. Collection method: clinical testing. Allele origin: germline. Affected: yes. Observed: 1 variant allele.
Comment: ASXL3: BP4, BP7

NM_030632.3(ASXL3):c.5931T>A (p.Leu1977=)

Gene: ASXL3 (ASXL transcriptional regulator 3; plus strand). Cytogenetic location: 18q12.1.
Variant type: single nucleotide variant.
Coding change: c.5931T>A on transcript NM_030632.3 (MANE Select); coding-DNA position 5931, T replaced by A.
Protein change: p.Leu1977=; no amino-acid change (leucine 1977 retained).
Molecular consequence: synonymous variant.
Genome position (GRCh38, 1-based): chr18:33,745,779, T>A. VCF-style: chr18-33745779-T-A. GRCh37 (hg19) VCF-style: chr18-31325743-T-A.
Identifiers: ClinVar variation 2648663 (VCV002648663.25), dbSNP rs3809987, ClinGen allele CA8934505.